The following is an entry in ClinVar:

ClinVar aggregate classification (germline): Pathogenic/Likely pathogenic. Review status: criteria provided, multiple submitters, no conflicts (2 of 4 stars). 2 submissions from 2 submitters: Pathogenic (1); Likely pathogenic (1). Last evaluated 2022-02-08.

Conditions:
PCDH15-related disorder. Also called: PCDH15-related condition; PCDH15-related disorders.

Submissions (2):

Labcorp Genetics (formerly Invitae), Labcorp
Classification: Pathogenic. Last evaluated: 2022-02-08. Review status: criteria provided, single submitter. Criteria: Invitae Variant Classification Sherloc (09022015). Collection method: clinical testing. Allele origin: germline.
Comment: For these reasons, this variant has been classified as Pathogenic. This variant has not been reported in the literature in individuals affected with PCDH15-related conditions. This variant is not present in population databases (gnomAD no frequency). This sequence change creates a premature translational stop signal (p.Asn851Metfs*6) in the PCDH15 gene. It is expected to result in an absent or disrupted protein product. Loss-of-function variants in PCDH15 are known to be pathogenic (PMID: 11398101, 11487575, 14570705).

Blueprint Genetics
Classification: Likely pathogenic for PCDH15-related disorders. Last evaluated: 2018-11-01. Review status: criteria provided, single submitter. Criteria: ACMG Guidelines, 2015. Collection method: clinical testing. Allele origin: germline. Affected: yes. Observed: 1 variant allele.

Literature cited by the submitters: PubMed 11398101 (cited by Labcorp Genetics (formerly Invitae), Labcorp); PubMed 11487575 (cited by Labcorp Genetics (formerly Invitae), Labcorp); PubMed 14570705 (cited by Labcorp Genetics (formerly Invitae), Labcorp).

NM_001384140.1(PCDH15):c.2552del (p.Asn851fs)

Gene: PCDH15 (protocadherin related 15; minus strand). Cytogenetic location: 10q21.1.
Variant type: Deletion.
Coding change: c.2552del on transcript NM_001384140.1 (MANE Select); coding-DNA position 2552, one base deleted (A; older notation c.2552delA).
Protein change: p.Asn851fs; shifts the reading frame from asparagine 851.
Molecular consequence: frameshift variant.
Genome position (GRCh38, 1-based): chr10:54,020,391, T deleted on the plus strand (A on the coding strand, the reverse complement: PCDH15 is on the minus strand); the first of 3 consecutive T bases (chr10:54,020,391-54,020,393); deleting any one gives the same sequence. VCF-style (leftmost placement, unchanged base first): chr10-54020390-AT-A. GRCh37 (hg19) VCF-style: chr10-55780150-AT-A.
Other names: c.2567del, p.Asn856fs (NM_001142763.2, NM_001142771.2); c.2552del, p.Asn851fs (NM_001142764.2, NM_001142766.2, NM_001142770.3 and 5 more transcripts); c.2339del, p.Asn780fs (NM_001142765.2); c.2441del, p.Asn814fs (NM_001142767.2); c.2486del, p.Asn829fs (NM_001142768.2, NM_001142773.2, NM_001354404.2); c.2586delA, p.Asn863Metfs (NM_001142769.4); c.2573del, p.Asn858fs (NM_001354411.2); short protein forms N780fs, N814fs, N829fs, N858fs, N863fs, N851fs, N856fs.
Identifiers: ClinVar variation 2095235 (VCV002095235.5), dbSNP rs2539169278, ClinGen allele CA2580082405.
Genomic context (GRCh38, chr10:54,020,390, plus strand): 5'-TGTAAATGGATGTAGTGCAAAAAAGTGCTTCACTTCTGGGCTTCTTATCCGGTAAGACAC[AT>A]TTGCTCCAAGGTCGACATCTTTGGCCTGTAATAAGCAGAAGAATAGTTTTATTAGTGACG-3'